The following is an entry in ClinVar:

ClinVar aggregate classification (germline): Uncertain significance (1 of 4 stars; one submission).

Conditions:
Inborn genetic diseases. Identifiers: MedGen C0950123, MeSH D030342.

gnomAD v4.1: 3 of 1,610,248 alleles (0.00019%); highest among the groups gnomAD compares: Non-Finnish European, 0.00025%; no homozygotes.

Submission:

Ambry Genetics
Classification: Uncertain significance for Inborn genetic diseases. Last evaluated: 2026-02-16. Review status: criteria provided, single submitter. Criteria: Ambry Variant Classification Scheme 2023. Collection method: clinical testing. Allele origin: germline.
Comment: The p.I1660V variant (also known as c.4978A>G), located in coding exon 33 of the ANKRD26 gene, results from an A to G substitution at nucleotide position 4978. The isoleucine at codon 1660 is replaced by valine, an amino acid with highly similar properties. This amino acid position is conserved. In addition, this alteration is predicted to be tolerated by in silico analysis. Based on the available evidence, the clinical significance of this variant remains unclear.

NM_014915.3(ANKRD26):c.4978A>G (p.Ile1660Val)

Gene: ANKRD26 (ankyrin repeat domain 26; minus strand). Cytogenetic location: 10p12.1.
Variant type: single nucleotide variant.
Coding change: c.4978A>G on transcript NM_014915.3 (MANE Select); coding-DNA position 4978, A replaced by G.
Protein change: p.Ile1660Val; replaces isoleucine 1660 with valine.
Molecular consequence: missense variant.
Genome position (GRCh38, 1-based): chr10:27,006,938, T>C on the plus strand (A>G on the coding strand, the complement: ANKRD26 is on the minus strand). VCF-style: chr10-27006938-T-C. GRCh37 (hg19) VCF-style: chr10-27295867-T-C.
Other names: c.4975A>G, p.Ile1659Val (NM_001256053.2); short protein forms I1659V, I1660V.
Identifiers: ClinVar variation 4845141 (VCV004845141.1).
Genomic context (GRCh38, chr10:27,006,938, plus strand): 5'-AATTAATCTAAATTTAATTCATGAAGTTTGGCAACATACCTTCTTTGAGTTCTCTAGTTA[T>C]ATTTTTTTCCAACTCCTGCTGCATCTGAAAAAAGTCAAATGTTATTTATAATGTTTAAGT-3'
Protein context (NP_055730.2, residues 1650-1670): SKMQQELEKN[Ile1660Val]TRELKEAAAE